The following is an entry in ClinVar:

NM_172362.3(KCNH1):c.1330C>T (p.Pro444Ser)

Gene: KCNH1 (potassium voltage-gated channel subfamily H member 1; minus strand). Cytogenetic location: 1q32.2.
Variant type: single nucleotide variant.
Coding change: c.1330C>T on transcript NM_172362.3 (MANE Select); coding-DNA position 1330, C replaced by T.
Protein change: p.Pro444Ser; replaces proline 444 with serine.
Molecular consequence: missense variant.
Genome position (GRCh38, 1-based): chr1:210,919,772, G>A on the plus strand (C>T on the coding strand, the complement: KCNH1 is on the minus strand). VCF-style: chr1-210919772-G-A. GRCh37 (hg19) VCF-style: chr1-211093114-G-A.
Other names: c.1249C>T, p.Pro417Ser (NM_002238.4); short protein forms P417S, P444S.
Identifiers: ClinVar variation 2745856 (VCV002745856.3), dbSNP rs2527120104, ClinGen allele CA344873211.
Genomic context (GRCh38, chr1:210,919,772, plus strand): 5'-CACTGGTGAGGCTGGTCATTGTGAAATACAACGAGGAGATGTAGACAGAATTCTTGCTGG[G>A]ACCACCTTCCCACTTCCCTGAGCCAGACCCATTAAACTGGTAAGGGGTGCCAATGTCCAT-3'
Protein context (NP_758872.1, residues 434-454): GSGSGKWEGG[Pro444Ser]SKNSVYISSL

ClinVar aggregate classification (germline): Uncertain significance (1 of 4 stars; one submission).

Submission:

Labcorp Genetics (formerly Invitae), Labcorp
Classification: Uncertain significance. Last evaluated: 2023-07-22. Review status: criteria provided, single submitter. Criteria: Invitae Variant Classification Sherloc (09022015). Collection method: clinical testing. Allele origin: germline.
Comment: This variant has not been reported in the literature in individuals affected with KCNH1-related conditions. This variant is not present in population databases (gnomAD no frequency). This sequence change replaces proline, which is neutral and non-polar, with serine, which is neutral and polar, at codon 444 of the KCNH1 protein (p.Pro444Ser). Advanced modeling of protein sequence and biophysical properties (such as structural, functional, and spatial information, amino acid conservation, physicochemical variation, residue mobility, and thermodynamic stability) performed at Invitae indicates that this missense variant is expected to disrupt KCNH1 protein function. In summary, the available evidence is currently insufficient to determine the role of this variant in disease. Therefore, it has been classified as a Variant of Uncertain Significance.